The following is an entry in ClinVar:

NM_001385012.1(NBEA):c.5402G>T (p.Gly1801Val)

Gene: NBEA (neurobeachin; plus strand). Cytogenetic location: 13q13.3.
Variant type: single nucleotide variant.
Coding change: c.5402G>T on transcript NM_001385012.1 (MANE Select); coding-DNA position 5402, G replaced by T.
Protein change: p.Gly1801Val; replaces glycine 1801 with valine.
Molecular consequence: missense variant.
Genome position (GRCh38, 1-based): chr13:35,208,735, G>T. VCF-style: chr13-35208735-G-T. GRCh37 (hg19) VCF-style: chr13-35782872-G-T.
Other names: c.5393G>T, p.Gly1798Val (NM_001379245.1); c.5402G>T, p.Gly1801Val (NM_015678.5); short protein forms G1798V, G1801V.
Identifiers: ClinVar variation 4686796 (VCV004686796.1).

ClinVar aggregate classification (germline): Uncertain significance (1 of 4 stars; one submission).

Submission:

GeneDx
Classification: Uncertain significance. Last evaluated: 2025-07-24. Review status: criteria provided, single submitter. Criteria: GeneDx Variant Classification Process June 2021. Collection method: clinical testing. Allele origin: germline. Affected: yes.
Comment: Not observed at significant frequency in large population cohorts (gnomAD); In silico analysis supports that this missense variant has a deleterious effect on protein structure/function; Has not been previously published as pathogenic or benign to our knowledge